The following is an entry in ClinVar:

ClinVar aggregate classification (germline): Pathogenic (1 of 4 stars; one submission).

Conditions:
Transcobalamin II deficiency (TCN2D). Also called: TC II DEFICIENCY; TCN2 DEFICIENCY; Transcolabamin II deficiency. Identifiers: Orphanet 859, MedGen C0342701, MONDO:0010149, OMIM 275350.

Submission:

Labcorp Genetics (formerly Invitae), Labcorp
Classification: Pathogenic for Transcobalamin II deficiency. Last evaluated: 2020-01-13. Review status: criteria provided, single submitter. Criteria: Invitae Variant Classification Sherloc (09022015). Collection method: clinical testing. Allele origin: germline.
Comment: This variant is not present in population databases (ExAC no frequency). This sequence change creates a premature translational stop signal (p.His29Profs*64) in the TCN2 gene. It is expected to result in an absent or disrupted protein product. This variant has not been reported in the literature in individuals with TCN2-related conditions. For these reasons, this variant has been classified as Pathogenic. Loss-of-function variants in TCN2 are known to be pathogenic (PMID: 7980584, 20352340).

Literature cited by the submitters: PubMed 7980584; PubMed 20352340.

NM_000355.4(TCN2):c.86_87del (p.His29fs)

Gene: TCN2 (transcobalamin 2; plus strand). Cytogenetic location: 22q12.2.
Variant type: Deletion.
Coding change: c.86_87del on transcript NM_000355.4 (MANE Select); coding-DNA positions 86 to 87, 2 bases deleted (AT; older notation c.86_87delAT).
Protein change: p.His29fs; shifts the reading frame from histidine 29.
Molecular consequence: frameshift variant.
Genome position (GRCh38, 1-based): chr22:30,610,892-30,610,893, AT deleted. VCF-style (leftmost placement, unchanged base first): chr22-30610891-CAT-C. GRCh37 (hg19) VCF-style: chr22-31006878-CAT-C.
Other names: c.86_87del, p.His29fs (NM_001184726.2); short protein forms H29fs.
Identifiers: ClinVar variation 839980 (VCV000839980.7), dbSNP rs2087528394, ClinGen allele CA916081239.